The following is an entry in ClinVar:

NM_005612.5(REST):c.2609A>G (p.Glu870Gly)

Gene: REST (RE1 silencing transcription factor; plus strand). Cytogenetic location: 4q12.
Variant type: single nucleotide variant.
Coding change: c.2609A>G on transcript NM_005612.5 (MANE Select); coding-DNA position 2609, A replaced by G.
Protein change: p.Glu870Gly; replaces glutamic acid 870 with glycine.
Molecular consequence: missense variant.
Genome position (GRCh38, 1-based): chr4:56,931,467, A>G. VCF-style: chr4-56931467-A-G. GRCh37 (hg19) VCF-style: chr4-57797633-A-G.
Other names: c.2609A>G, p.Glu870Gly (NM_001193508.2, NM_001363453.3); short protein forms E870G.
Identifiers: ClinVar variation 2831578 (VCV002831578.3), dbSNP rs1720968868, ClinGen allele CA357009151.

ClinVar aggregate classification (germline): Uncertain significance (1 of 4 stars; one submission).

Allele frequency attached by ClinVar (database versions not stated): gnomAD exomes below 0.00001.
gnomAD v4.1: 1 of 1,614,220 alleles (0.000062%); highest among the groups gnomAD compares: East Asian, 0.0022%; no homozygotes.

Submission:

Labcorp Genetics (formerly Invitae), Labcorp
Classification: Uncertain significance. Last evaluated: 2023-12-01. Review status: criteria provided, single submitter. Criteria: Invitae Variant Classification Sherloc (09022015). Collection method: clinical testing. Allele origin: germline.
Comment: This sequence change replaces glutamic acid, which is acidic and polar, with glycine, which is neutral and non-polar, at codon 870 of the REST protein (p.Glu870Gly). This variant is not present in population databases (gnomAD no frequency). This variant has not been reported in the literature in individuals affected with REST-related conditions. Algorithms developed to predict the effect of missense changes on protein structure and function output the following: SIFT: "Not Available"; PolyPhen-2: "Benign"; Align-GVGD: "Not Available". The glycine amino acid residue is found in multiple mammalian species, which suggests that this missense change does not adversely affect protein function. In summary, the available evidence is currently insufficient to determine the role of this variant in disease. Therefore, it has been classified as a Variant of Uncertain Significance.